The following is an entry in ClinVar:

NM_032607.3(CREB3L3):c.724del (p.Arg242fs)

Gene: CREB3L3 (cAMP responsive element binding protein 3 like 3; plus strand). Cytogenetic location: 19p13.3.
Variant type: Deletion.
Coding change: c.724del on transcript NM_032607.3 (MANE Select); coding-DNA position 724, one base deleted (C; older notation c.724delC).
Protein change: p.Arg242fs; shifts the reading frame from arginine 242.
Molecular consequence: frameshift variant. On other transcripts: intron variant (1).
Genome position (GRCh38, 1-based): chr19:4,168,360, C deleted. VCF-style (leftmost placement, unchanged base first): chr19-4168359-GC-G. GRCh37 (hg19) VCF-style: chr19-4168356-GC-G.
Other names: c.721del, p.Arg241fs (NM_001271995.2); c.718del, p.Arg240fs (NM_001271996.2); c.715-1780del (NM_001271997.2); short protein forms R240fs, R241fs, R242fs.
Identifiers: ClinVar variation 4850744 (VCV004850744.1).

ClinVar aggregate classification (germline): Likely pathogenic (1 of 4 stars; one submission).

Conditions:
Hypertriglyceridemia 2. Identifiers: MedGen C5543398, MONDO:0859149, OMIM 619324.

Submission:

Variantyx, Inc.
Classification: Likely pathogenic for Hypertriglyceridemia 2. Last evaluated: 2025-07-10. Review status: criteria provided, single submitter. Criteria: Variantyx Assertion Criteria 2022. Collection method: clinical testing. Allele origin: germline. Inheritance: Autosomal dominant inheritance. Affected: yes.
Comment: This is a frameshift variant in the CREB3L3 gene (OMIM: 611998). Pathogenic variants in this gene have been associated with autosomal dominant hypertriglyceridemia 2. This variant introduces a premature termination codon in exon 6 out of 10 and is expected to result in loss of function, which is a known disease mechanism for CREB3L3 in this disorder (PMID: 32580631) (PVS1). This variant has a 0.0043% maximum allele frequency in non-founder control populations (PM2). Inheritance from an unaffected or mildly affected parent has been reported, consistent with incomplete penetrance and variable expressivity (PMID:¬†26427795). Based on the current evidence, this variant is classified as likely pathogenic for autosomal dominant hypertriglyceridemia 2.

Literature cited by the submitters: PubMed 32580631.